The following is an entry in ClinVar:

NM_000052.7(ATP7A):c.2603T>C (p.Met868Thr)

Gene: ATP7A (ATPase copper transporting alpha; plus strand). Cytogenetic location: Xq21.1.
Variant type: single nucleotide variant.
Coding change: c.2603T>C on transcript NM_000052.7 (MANE Select); coding-DNA position 2603, T replaced by C.
Protein change: p.Met868Thr; replaces methionine 868 with threonine.
Molecular consequence: missense variant.
Genome position (GRCh38, 1-based): chrX:78,015,858, T>C. VCF-style: chrX-78015858-T-C. GRCh37 (hg19) VCF-style: chrX-77271355-T-C.
Other names: c.2369T>C, p.Met790Thr (NM_001282224.2); short protein forms M790T, M868T.
Identifiers: ClinVar variation 1366776 (VCV001366776.8), dbSNP rs2149097408, ClinGen allele CA413601192.

ClinVar aggregate classification (germline): Uncertain significance (1 of 4 stars; one submission).

Conditions:
Cutis laxa, X-linked (OHS). Also called: EDS IX; Occipital horn syndrome. Identifiers: Orphanet 198, MedGen C0268353, MONDO:0010572, OMIM 304150.
X-linked distal spinal muscular atrophy type 3. Also called: ATP7A-Related Distal Motor Neuropathy; SPINAL MUSCULAR ATROPHY, DISTAL, X-LINKED RECESSIVE; NEUROPATHY, DISTAL HEREDITARY MOTOR, X-LINKED; NEURONOPATHY, DISTAL HEREDITARY MOTOR, X-LINKED. Identifiers: Orphanet 139557, MedGen C1845359, MONDO:0010338, OMIM 300489.
Menkes kinky-hair syndrome (MNK). Also called: Classic Menkes Disease; Copper transport disease; Menkes Disease. Identifiers: Orphanet 565, MedGen C0022716, MONDO:0010651, OMIM 309400.

Submission:

Labcorp Genetics (formerly Invitae), Labcorp
Classification: Uncertain significance for X-linked distal spinal muscular atrophy type 3; Cutis laxa, X-linked; Menkes kinky-hair syndrome. Last evaluated: 2022-08-23. Review status: criteria provided, single submitter. Criteria: Invitae Variant Classification Sherloc (09022015). Collection method: clinical testing. Allele origin: germline.
Comment: This sequence change replaces methionine, which is neutral and non-polar, with threonine, which is neutral and polar, at codon 868 of the ATP7A protein (p.Met868Thr). This variant is not present in population databases (gnomAD no frequency). This variant has not been reported in the literature in individuals affected with ATP7A-related conditions. ClinVar contains an entry for this variant (Variation ID: 1366776). Advanced modeling of protein sequence and biophysical properties (such as structural, functional, and spatial information, amino acid conservation, physicochemical variation, residue mobility, and thermodynamic stability) performed at Invitae indicates that this missense variant is not expected to disrupt ATP7A protein function. In summary, the available evidence is currently insufficient to determine the role of this variant in disease. Therefore, it has been classified as a Variant of Uncertain Significance.